The following is an entry in ClinVar:

NM_001017989.3(OPA3):c.216C>G (p.Asn72Lys)

Genes: OPA3 (outer mitochondrial membrane lipid metabolism regulator OPA3; minus strand), OPA3-RTN2 (OPA3-RTN2 readthrough; minus strand). Cytogenetic location: 19q13.32.
Variant type: single nucleotide variant.
Coding change: c.216C>G on transcript NM_001017989.3; coding-DNA position 216, C replaced by G.
Protein change: p.Asn72Lys; replaces asparagine 72 with lysine.
Molecular consequence: missense variant.
Genome position (GRCh38, 1-based): chr19:45,529,383, G>C on the plus strand (C>G on the coding strand, the complement: OPA3 is on the minus strand). VCF-style: chr19-45529383-G-C. GRCh37 (hg19) VCF-style: chr19-46032641-G-C.
Other names: short protein forms N72K.
Identifiers: ClinVar variation 3369807 (VCV003369807.1).

ClinVar aggregate classification (germline): Uncertain significance (1 of 4 stars; one submission).

gnomAD v4.1: 5 of 1,614,228 alleles (0.00031%); highest among the groups gnomAD compares: Non-Finnish European, 0.00042%; no homozygotes.

Submission:

GeneDx
Classification: Uncertain significance. Last evaluated: 2024-02-27. Review status: criteria provided, single submitter. Criteria: GeneDx Variant Classification Process June 2021. Collection method: clinical testing. Allele origin: germline. Affected: yes.
Comment: Not observed at significant frequency in large population cohorts (gnomAD); In silico analysis supports that this missense variant has a deleterious effect on protein structure/function; Has not been previously published as pathogenic or benign to our knowledge